The following is an entry in ClinVar:

ClinVar aggregate classification (germline): Uncertain significance (1 of 4 stars; one submission).

Conditions:
Orthostatic hypotension 1 (ORTHYP1). Also called: Orthostatic hypotension 1, due to DBH deficiency; NORADRENALINE DEFICIENCY; NOREPINEPHRINE DEFICIENCY; Dopamine beta-hydroxylase deficiency. Identifiers: Orphanet 230, MedGen C4746777, MONDO:0009123, OMIM 223360.

Allele frequency attached by ClinVar (database versions not stated): gnomAD exomes below 0.00001.
gnomAD v4.1: 5 of 1,614,122 alleles (0.00031%); highest among the groups gnomAD compares: East Asian, 0.0045%; no homozygotes.

Submission:

Labcorp Genetics (formerly Invitae), Labcorp
Classification: Uncertain significance for Orthostatic hypotension 1. Last evaluated: 2022-08-10. Review status: criteria provided, single submitter. Criteria: Invitae Variant Classification Sherloc (09022015). Collection method: clinical testing. Allele origin: germline.
Comment: In summary, the available evidence is currently insufficient to determine the role of this variant in disease. Therefore, it has been classified as a Variant of Uncertain Significance. Algorithms developed to predict the effect of missense changes on protein structure and function (SIFT, PolyPhen-2, Align-GVGD) all suggest that this variant is likely to be tolerated. This variant has not been reported in the literature in individuals affected with DBH-related conditions. This variant is present in population databases (no rsID available, gnomAD 0.006%). This sequence change replaces asparagine, which is neutral and polar, with serine, which is neutral and polar, at codon 220 of the DBH protein (p.Asn220Ser).

NM_000787.4(DBH):c.659A>G (p.Asn220Ser)

Gene: DBH (dopamine beta-hydroxylase; plus strand). Cytogenetic location: 9q34.2.
Variant type: single nucleotide variant.
Coding change: c.659A>G on transcript NM_000787.4 (MANE Select); coding-DNA position 659, A replaced by G.
Protein change: p.Asn220Ser; replaces asparagine 220 with serine.
Molecular consequence: missense variant.
Genome position (GRCh38, 1-based): chr9:133,642,379, A>G. VCF-style: chr9-133642379-A-G. GRCh37 (hg19) VCF-style: chr9-136507501-A-G.
Other names: short protein forms N220S.
Identifiers: ClinVar variation 1981578 (VCV001981578.4), dbSNP rs1301048120, ClinGen allele CA375411708.